The following is an entry in ClinVar:

ClinVar aggregate classification (germline): Uncertain significance (1 of 4 stars; one submission).

Conditions:
Myopathy, proximal, and ophthalmoplegia (CMYO6). Also called: MYOPATHY WITH CONGENITAL JOINT CONTRACTURES, OPHTHALMOPLEGIA, AND RIMMED VACUOLES; CONGENITAL MYOPATHY 6 WITH OPHTHALMOPLEGIA; INCLUSION BODY MYOPATHY 3, AUTOSOMAL DOMINANT. Identifiers: Orphanet 363677, Orphanet 79091, MedGen C1854106, MONDO:0011577, OMIM 605637.

Submission:

Labcorp Genetics (formerly Invitae), Labcorp
Classification: Uncertain significance for Myopathy, proximal, and ophthalmoplegia. Last evaluated: 2024-08-31. Review status: criteria provided, single submitter. Criteria: Invitae Variant Classification Sherloc (09022015). Collection method: clinical testing. Allele origin: germline.
Comment: This sequence change replaces isoleucine, which is neutral and non-polar, with threonine, which is neutral and polar, at codon 1582 of the MYH2 protein (p.Ile1582Thr). This variant is not present in population databases (gnomAD no frequency). This variant has not been reported in the literature in individuals affected with MYH2-related conditions. Invitae Evidence Modeling of protein sequence and biophysical properties (such as structural, functional, and spatial information, amino acid conservation, physicochemical variation, residue mobility, and thermodynamic stability) indicates that this missense variant is not expected to disrupt MYH2 protein function with a negative predictive value of 80%. In summary, the available evidence is currently insufficient to determine the role of this variant in disease. Therefore, it has been classified as a Variant of Uncertain Significance.

NM_017534.6(MYH2):c.4745T>C (p.Ile1582Thr)

Genes: MYHAS (myosin heavy chain gene cluster antisense RNA; plus strand), MYH2 (myosin heavy chain 2; minus strand), LOC126862500 (BRD4-independent group 4 enhancer GRCh37_chr17:10427829-10429028; plus strand). Cytogenetic location: 17p13.1.
Variant type: single nucleotide variant.
Coding change: c.4745T>C on transcript NM_017534.6 (MANE Select); coding-DNA position 4745, T replaced by C.
Protein change: p.Ile1582Thr; replaces isoleucine 1582 with threonine.
Molecular consequence: missense variant.
Genome position (GRCh38, 1-based): chr17:10,524,983, A>G on the plus strand (T>C on the coding strand, the complement: MYH2 is on the minus strand). VCF-style: chr17-10524983-A-G. GRCh37 (hg19) VCF-style: chr17-10428300-A-G.
Other names: c.4745T>C, p.Ile1582Thr (NM_001100112.2); short protein forms I1582T.
Identifiers: ClinVar variation 3626442 (VCV003626442.2).